The following is an entry in ClinVar:

ClinVar aggregate classification (germline): Pathogenic (1 of 4 stars; one submission).

Submission:

Labcorp Genetics (formerly Invitae), Labcorp
Classification: Pathogenic. Last evaluated: 2022-11-01. Review status: criteria provided, single submitter. Criteria: Invitae Variant Classification Sherloc (09022015). Collection method: clinical testing. Allele origin: germline.
Comment: For these reasons, this variant has been classified as Pathogenic. This variant has not been reported in the literature in individuals affected with TSPEAR-related conditions. This variant is not present in population databases (gnomAD no frequency). This sequence change creates a premature translational stop signal (p.Ser401Cysfs*156) in the TSPEAR gene. It is expected to result in an absent or disrupted protein product. Loss-of-function variants in TSPEAR are known to be pathogenic (PMID: 34042254).

Literature cited by the submitters: PubMed 34042254.

NM_144991.3(TSPEAR):c.1202_1203del (p.Ser401fs)

Gene: TSPEAR (thrombospondin type laminin G domain and EAR repeats; minus strand). Cytogenetic location: 21q22.3.
Variant type: Microsatellite.
Coding change: c.1202_1203del on transcript NM_144991.3 (MANE Select); coding-DNA positions 1202 to 1203, 2 bases deleted (CT; older notation c.1202_1203delCT).
Protein change: p.Ser401fs; shifts the reading frame from serine 401.
Molecular consequence: frameshift variant.
Genome position (GRCh38, 1-based): chr21:44,525,786-44,525,787, AG deleted on the plus strand (CT on the coding strand, the reverse complement: TSPEAR is on the minus strand); deleting any 2 consecutive bases within chr21:44,525,786-44,525,790 gives the same sequence; the c. name uses the placement nearest the transcript's 3' end. VCF-style (leftmost placement, unchanged base first): chr21-44525785-CAG-C. GRCh37 (hg19) VCF-style: chr21-45945668-CAG-C.
Other names: c.998_999del, p.Ser333fs (NM_001272037.2); short protein forms S333fs, S401fs.
Identifiers: ClinVar variation 2036464 (VCV002036464.4), dbSNP rs2517374413, ClinGen allele CA2580615218.